The following is an entry in ClinVar:

NM_000038.6(APC):c.1185TGA[1] (p.Asp397del)

Gene: APC (APC regulator of Wnt signaling pathway; plus strand). Cytogenetic location: 5q22.2.
Variant type: Microsatellite.
Coding change: c.1185TGA[1] on transcript NM_000038.6 (MANE Select); one copy of the 3-base unit TGA starting at c.1185; the reference has two copies in a row; one copy, 3 bases deleted.
Protein change: p.Asp397del; deletes aspartic acid 397.
Molecular consequence: inframe deletion. On other transcripts: inframe indel (9), intron variant (4).
Genome position (GRCh38, 1-based): chr5:112,819,220-112,819,222, TGA deleted; deleting any 3 consecutive bases within chr5:112,819,217-112,819,222 gives the same sequence; the position shown is the placement nearest the transcript's 3' end. VCF-style (leftmost placement, unchanged base first): chr5-112819216-CTGA-C. GRCh37 (hg19) VCF-style: chr5-112154913-CTGA-C.
Other names: c.1185TGA[1], p.Asp397del (NM_001127510.3, NM_001354895.2, NM_001354896.2); c.1131TGA[1], p.Asp379del (NM_001127511.3); c.1215TGA[1], p.Asp407del (NM_001354897.2); c.1110TGA[1], p.Asp372del (NM_001354898.2); c.1101TGA[1], p.Asp369del (NM_001354899.2); c.1008TGA[1], p.Asp338del (NM_001354900.2, NM_001354901.2); c.336TGA[1], p.Asp114del (NM_001354906.2); c.1215_1217TGA[1], p.Asp407del (NM_001407446.1); and 9 more; short protein forms D114del, D338del, D379del, D369del, D372del, D397del, D407del.
Identifiers: ClinVar variation 1743865 (VCV001743865.2), dbSNP rs2533051306, ClinGen allele CA2580613622.
Genomic context (GRCh38, chr5:112,819,216, plus strand): 5'-GCAGTAAAGAGGCTCGGGCCAGGGCCAGTGCAGCACTCCACAACATCATTCACTCACAGC[CTGA>C]TGACAAGAGAGGCAGGCGTGAAATCCGAGTCCTTCATCTTTTGGAACAGATACGCGCTTA-3'

ClinVar aggregate classification (germline): Uncertain significance (1 of 4 stars; one submission).

Conditions:
Hereditary cancer-predisposing syndrome. Also called: Hereditary Cancer Syndrome; Neoplastic Syndromes, Hereditary; Tumor predisposition; Hereditary neoplastic syndrome. Identifiers: Orphanet 140162, MedGen C0027672, MeSH D009386, MONDO:0015356.

Submission:

Ambry Genetics
Classification: Uncertain significance for Hereditary cancer-predisposing syndrome. Last evaluated: 2019-12-18. Review status: criteria provided, single submitter. Criteria: Ambry Variant Classification Scheme 2023. Collection method: clinical testing. Allele origin: germline.
Comment: The c.1188_1190delTGA variant (also known as p.D397del) is located in coding exon 9 of the APC gene. This variant results from an in-frame TGA deletion at nucleotide positions 1188 to 1190. This results in the in-frame deletion of an aspartic acid at codon 397. This amino acid position is highly conserved in available vertebrate species. In addition, this alteration is predicted to be deleterious by in silico analysis (Choi Y et al. PLoS ONE. 2012; 7(10):e46688). Since supporting evidence is limited at this time, the clinical significance of this alteration remains unclear.